The following is an entry in ClinVar:

NM_000719.7(CACNA1C):c.3350G>T (p.Trp1117Leu)

Gene: CACNA1C (calcium voltage-gated channel subunit alpha1 C; plus strand). Cytogenetic location: 12p13.33.
Variant type: single nucleotide variant.
Coding change: c.3350G>T on transcript NM_000719.7 (MANE Select); coding-DNA position 3350, G replaced by T.
Protein change: p.Trp1117Leu; replaces tryptophan 1117 with leucine.
Molecular consequence: missense variant.
Genome position (GRCh38, 1-based): chr12:2,607,124, G>T. VCF-style: chr12-2607124-G-T. GRCh37 (hg19) VCF-style: chr12-2716290-G-T.
Other names: c.3410G>T, p.Trp1137Leu (NM_001129827.2, NM_001129832.2, NM_199460.4); c.3350G>T, p.Trp1117Leu (NM_001129829.2, NM_001129830.3, NM_001129831.2 and 15 more transcripts); c.3341G>T, p.Trp1114Leu (NM_001129844.2); short protein forms W1114L, W1117L, W1137L.
Identifiers: ClinVar variation 3900566 (VCV003900566.1).

ClinVar aggregate classification (germline): Uncertain significance (1 of 4 stars; one submission).

Submission:

GeneDx
Classification: Uncertain significance. Last evaluated: 2024-11-25. Review status: criteria provided, single submitter. Criteria: GeneDx Variant Classification Process June 2021. Collection method: clinical testing. Allele origin: germline. Affected: yes.
Comment: Not observed at significant frequency in large population cohorts (gnomAD); In silico analysis supports that this missense variant has a deleterious effect on protein structure/function; Has not been previously published as pathogenic or benign to our knowledge